The following is an entry in ClinVar:

ClinVar aggregate classification (germline): Uncertain significance. Review status: criteria provided, multiple submitters, no conflicts (2 of 4 stars). 2 submissions from 2 submitters: Uncertain significance (2). Last evaluated 2025-11-13.

Allele frequency attached by ClinVar (database versions not stated): TOPMed 0.00001; 1000 Genomes Project 30x 0.00016.
gnomAD v4.1: 57 of 1,614,114 alleles (0.0035%); highest among the groups gnomAD compares: South Asian, 0.025%; 2 homozygotes.

Submissions (2):

Ambry Genetics
Classification: Uncertain significance. Last evaluated: 2025-11-13. Review status: criteria provided, single submitter. Criteria: Ambry Variant Classification Scheme 2023. Collection method: clinical testing. Allele origin: germline.

Labcorp Genetics (formerly Invitae), Labcorp
Classification: Uncertain significance. Last evaluated: 2023-08-30. Review status: criteria provided, single submitter. Criteria: Invitae Variant Classification Sherloc (09022015). Collection method: clinical testing. Allele origin: germline.
Comment: In summary, the available evidence is currently insufficient to determine the role of this variant in disease. Therefore, it has been classified as a Variant of Uncertain Significance. An algorithm developed to predict the effect of missense changes on protein structure and function (PolyPhen-2) suggests that this variant¬†is likely to be tolerated. ClinVar contains an entry for this variant (Variation ID: 843043). This variant has not been reported in the literature in individuals affected with RINT1-related conditions. This variant is present in population databases (rs199512216, gnomAD 0.02%), including at least one homozygous and/or hemizygous individual. This sequence change replaces arginine, which is basic and polar, with proline, which is neutral and non-polar, at codon 256 of the RINT1 protein (p.Arg256Pro).

NM_021930.6(RINT1):c.767G>C (p.Arg256Pro)

Gene: RINT1 (RAD50 interactor 1; plus strand). Cytogenetic location: 7q22.3.
Variant type: single nucleotide variant.
Coding change: c.767G>C on transcript NM_021930.6 (MANE Select); coding-DNA position 767, G replaced by C.
Protein change: p.Arg256Pro; replaces arginine 256 with proline.
Molecular consequence: missense variant. On other transcripts: 5 prime UTR variant (2), non-coding transcript variant (1), intron variant (1).
Genome position (GRCh38, 1-based): chr7:105,547,261, G>C. VCF-style: chr7-105547261-G-C. GRCh37 (hg19) VCF-style: chr7-105187708-G-C.
Other names: c.533G>C, p.Arg178Pro (NM_001346599.2); c.-253G>C (NM_001346600.2); c.-156G>C (NM_001346601.2); c.-27-2794G>C (NM_001346603.2); short protein forms R178P, R256P.
Identifiers: ClinVar variation 843043 (VCV000843043.10), dbSNP rs199512216, ClinGen allele CA4426521.